The following is an entry in ClinVar:

NC_000021.9:g.43403668C>T

Gene: SIK1 (salt inducible kinase 1; minus strand). Cytogenetic location: 21q22.3.
Variant type: single nucleotide variant.
Genome position: GRCh38 VCF-style: chr21-43403668-C-T. GRCh37 (hg19) VCF-style: chr21-44823548-C-T.
Identifiers: ClinVar variation 2652717 (VCV002652717.24), dbSNP rs533927075, ClinGen allele CA321320082.
Genomic context (GRCh38, chr21:43,403,668, plus strand): 5'-ACCCATTGCTGTAACCTTCCCGCCATCCTTGGTGCCAACCCTACACCTGGGAGCCACAAA[C>T]GCCTCTTGGATCCCAAGCCTCCAGGCAGGGTGGTTCTGAGCGGGGTAGCATCTCCCAAGC-3'

ClinVar aggregate classification (germline): Benign (1 of 4 stars; one submission).

Allele frequency attached by ClinVar (database versions not stated): 1000 Genomes Project 30x 0.00016; 1000 Genomes Project 0.00020.

Submission:

CeGaT Center for Human Genetics Tuebingen
Classification: Benign. Last evaluated: 2022-08-01. Review status: criteria provided, single submitter. Criteria: CeGaT Center For Human Genetics Tuebingen Variant Classification Criteria Version 2. Collection method: clinical testing. Allele origin: germline. Affected: yes. Observed: 1 variant allele.
Comment: SIK1: BS1, BS2